The following is an entry in ClinVar:

ClinVar aggregate classification (germline): Uncertain significance (1 of 4 stars; one submission).

Conditions:
DICER1-related tumor predisposition. Also called: DICER1 syndrome; DICER1-related pleuropulmonary blastoma cancer predisposition syndrome. Identifiers: Orphanet 284343, MedGen C3839822, MONDO:0100216.

Submission:

Labcorp Genetics (formerly Invitae), Labcorp
Classification: Uncertain significance for DICER1-related tumor predisposition. Last evaluated: 2021-10-19. Review status: criteria provided, single submitter. Criteria: Invitae Variant Classification Sherloc (09022015). Collection method: clinical testing. Allele origin: germline.
Comment: In summary, the available evidence is currently insufficient to determine the role of this variant in disease. Therefore, it has been classified as a Variant of Uncertain Significance. Algorithms developed to predict the effect of missense changes on protein structure and function (SIFT, PolyPhen-2, Align-GVGD) all suggest that this variant is likely to be tolerated. This variant has not been reported in the literature in individuals affected with DICER1-related conditions. This variant is not present in population databases (ExAC no frequency). This sequence change replaces asparagine with threonine at codon 1200 of the DICER1 protein (p.Asn1200Thr). The asparagine residue is moderately conserved and there is a small physicochemical difference between asparagine and threonine.

NM_177438.3(DICER1):c.3599A>C (p.Asn1200Thr)

Gene: DICER1 (dicer 1, ribonuclease III; minus strand). Cytogenetic location: 14q32.13.
Variant type: single nucleotide variant.
Coding change: c.3599A>C on transcript NM_177438.3 (MANE Select); coding-DNA position 3599, A replaced by C.
Protein change: p.Asn1200Thr; replaces asparagine 1200 with threonine.
Molecular consequence: missense variant.
Genome position (GRCh38, 1-based): chr14:95,103,797, T>G on the plus strand (A>C on the coding strand, the complement: DICER1 is on the minus strand). VCF-style: chr14-95103797-T-G. GRCh37 (hg19) VCF-style: chr14-95570134-T-G.
Other names: c.3599A>C, p.Asn1200Thr (NM_001195573.1, NM_001271282.3, NM_001291628.2 and 1 more transcripts); short protein forms N1200T.
Identifiers: ClinVar variation 1497977 (VCV001497977.7), dbSNP rs1595365849, ClinGen allele CA390874747.